The following is an entry in ClinVar:

ClinVar aggregate classification (germline): Uncertain significance. Review status: criteria provided, multiple submitters, no conflicts (2 of 4 stars). 2 submissions from 2 submitters: Uncertain significance (2). Last evaluated 2025-08-26.

Conditions:
Inborn genetic diseases. Identifiers: MedGen C0950123, MeSH D030342.

Allele frequency attached by ClinVar (database versions not stated): gnomAD exomes below 0.00001; gnomAD 0.00001; ExAC 0.00003.

Submissions (2):

Ambry Genetics
Classification: Uncertain significance for Inborn genetic diseases. Last evaluated: 2025-08-26. Review status: criteria provided, single submitter. Criteria: Ambry Variant Classification Scheme 2023. Collection method: clinical testing. Allele origin: germline.

Labcorp Genetics (formerly Invitae), Labcorp
Classification: Uncertain significance. Last evaluated: 2023-05-23. Review status: criteria provided, single submitter. Criteria: Invitae Variant Classification Sherloc (09022015). Collection method: clinical testing. Allele origin: germline.
Comment: Algorithms developed to predict the effect of missense changes on protein structure and function output the following: SIFT: "Not Available"; PolyPhen-2: "Benign"; Align-GVGD: "Not Available". The leucine amino acid residue is found in multiple mammalian species, which suggests that this missense change does not adversely affect protein function. This variant has not been reported in the literature in individuals affected with CAPN1-related conditions. ClinVar contains an entry for this variant (Variation ID: 1942404). In summary, the available evidence is currently insufficient to determine the role of this variant in disease. Therefore, it has been classified as a Variant of Uncertain Significance. This variant is not present in population databases (gnomAD no frequency). This sequence change replaces valine, which is neutral and non-polar, with leucine, which is neutral and non-polar, at codon 18 of the CAPN1 protein (p.Val18Leu).

NM_005186.4(CAPN1):c.52G>T (p.Val18Leu)

Gene: CAPN1 (calpain 1; plus strand). Cytogenetic location: 11q13.1.
Variant type: single nucleotide variant.
Coding change: c.52G>T on transcript NM_005186.4 (MANE Select); coding-DNA position 52, G replaced by T.
Protein change: p.Val18Leu; replaces valine 18 with leucine.
Molecular consequence: missense variant. On other transcripts: non-coding transcript variant (1).
Genome position (GRCh38, 1-based): chr11:65,182,753, G>T. VCF-style: chr11-65182753-G-T. GRCh37 (hg19) VCF-style: chr11-64950224-G-T.
Other names: c.52G>T, p.Val18Leu (NM_001198868.2, NM_001198869.2); c.-40G>T (NM_001198870.1); c.52G>T (NM_001198868.1); short protein forms V18L.
Identifiers: ClinVar variation 1942404 (VCV001942404.6), dbSNP rs750381675, ClinGen allele CA6092953.